The following is an entry in ClinVar:

ClinVar aggregate classification (germline): Uncertain significance. Review status: criteria provided, multiple submitters, no conflicts (2 of 4 stars). 3 submissions from 3 submitters: Uncertain significance (3). Last evaluated 2025-09-16.

Conditions:
Autosomal recessive cerebellar ataxia-saccadic intrusion syndrome. Also called: VPS13D Movement Disorder; SPINOCEREBELLAR ATAXIA 24. Identifiers: Orphanet 95434, MedGen C1846492, MONDO:0011811, OMIM 607317.

Allele frequency attached by ClinVar (database versions not stated): gnomAD exomes 0.00011 and 0.00021; ExAC 0.00012; gnomAD 0.00019; ESP Exome Variant Server 0.00038.
gnomAD v4.1: 335 of 1,613,752 alleles (0.021%); highest among the groups gnomAD compares: Middle Eastern, 0.049%; no homozygotes.

Submissions (3):

Mayo Clinic Laboratories, Mayo Clinic
Classification: Uncertain significance. Last evaluated: 2025-09-16. Review status: criteria provided, single submitter. Criteria: ACMG Guidelines, 2015. Collection method: clinical testing. Allele origin: germline. Observed: 2 variant alleles.
Comment: PM2_supporting

Labcorp Genetics (formerly Invitae), Labcorp
Classification: Uncertain significance. Last evaluated: 2024-11-11. Review status: criteria provided, single submitter. Criteria: Invitae Variant Classification Sherloc (09022015). Collection method: clinical testing. Allele origin: germline.
Comment: This sequence change replaces arginine, which is basic and polar, with tryptophan, which is neutral and slightly polar, at codon 710 of the VPS13D protein (p.Arg710Trp). This variant is present in population databases (rs139539467, gnomAD 0.02%). This variant has not been reported in the literature in individuals affected with VPS13D-related conditions. ClinVar contains an entry for this variant (Variation ID: 1423753). Invitae Evidence Modeling of protein sequence and biophysical properties (such as structural, functional, and spatial information, amino acid conservation, physicochemical variation, residue mobility, and thermodynamic stability) indicates that this missense variant is not expected to disrupt VPS13D protein function with a negative predictive value of 80%. In summary, the available evidence is currently insufficient to determine the role of this variant in disease. Therefore, it has been classified as a Variant of Uncertain Significance.

CeGaT Center for Human Genetics Tuebingen
Classification: Uncertain significance. Last evaluated: 2024-01-01. Review status: criteria provided, single submitter. Criteria: CeGaT Center For Human Genetics Tuebingen Variant Classification Criteria Version 2. Collection method: clinical testing. Allele origin: germline. Affected: yes. Observed: 1 variant allele.
Comment: VPS13D: PM2

NM_015378.4(VPS13D):c.2128C>T (p.Arg710Trp)

Gene: VPS13D (vacuolar protein sorting 13 homolog D; plus strand). Cytogenetic location: 1p36.22.
Variant type: single nucleotide variant.
Coding change: c.2128C>T on transcript NM_015378.4 (MANE Select); coding-DNA position 2128, C replaced by T.
Protein change: p.Arg710Trp; replaces arginine 710 with tryptophan.
Molecular consequence: missense variant.
Genome position (GRCh38, 1-based): chr1:12,273,027, C>T. VCF-style: chr1-12273027-C-T. GRCh37 (hg19) VCF-style: chr1-12333084-C-T.
Other names: p.Arg710Trp; c.2128C>T (NM_015378.3); c.2128C>T, p.Arg710Trp (NM_018156.4); short protein forms R710W.
Identifiers: ClinVar variation 1423753 (VCV001423753.30), dbSNP rs139539467, ClinGen allele CA601753.